The following is an entry in ClinVar:

NM_005902.4(SMAD3):c.1178C>T (p.Pro393Leu)

Gene: SMAD3 (SMAD family member 3; plus strand). Cytogenetic location: 15q22.33.
Variant type: single nucleotide variant.
Coding change: c.1178C>T on transcript NM_005902.4 (MANE Select); coding-DNA position 1178, C replaced by T.
Protein change: p.Pro393Leu; replaces proline 393 with leucine.
Molecular consequence: missense variant.
Genome position (GRCh38, 1-based): chr15:67,190,436, C>T. VCF-style: chr15-67190436-C-T. GRCh37 (hg19) VCF-style: chr15-67482774-C-T.
Other names: c.863C>T, p.Pro288Leu (NM_001145102.2, NM_001407016.1); c.1046C>T, p.Pro349Leu (NM_001145103.2, NM_001407012.1); c.593C>T, p.Pro198Leu (NM_001145104.2, NM_001407017.1); c.1289C>T, p.Pro430Leu (NM_001407011.1); c.1040C>T, p.Pro347Leu (NM_001407013.1); c.1031C>T, p.Pro344Leu (NM_001407014.1); c.731C>T, p.Pro244Leu (NM_001407015.1); short protein forms P244L, P349L, P393L, P198L, P347L, P288L, P344L, P430L.
Identifiers: ClinVar variation 1741274 (VCV001741274.3), dbSNP rs2505322529, ClinGen allele CA392958693.
Genomic context (GRCh38, chr15:67,190,436, plus strand): 5'-AAGTCCCCCACCCCACCCCTTTCCCTATTTCTTACAGGAGACAGACTGTGACCAGTACCC[C>T]CTGCTGGATTGAGCTGCACCTGAATGGGCCTTTGCAGTGGCTTGACAAGGTCCTCACCCA-3'
Protein context (NP_005893.1, residues 383-403): EYRRQTVTST[Pro393Leu]CWIELHLNGP

ClinVar aggregate classification (germline): Uncertain significance. Review status: criteria provided, multiple submitters, no conflicts (2 of 4 stars). 2 submissions from 2 submitters: Uncertain significance (2). Last evaluated 2022-05-27.

Conditions:
Familial thoracic aortic aneurysm and aortic dissection (TAAD). Also called: Thoracic aortic aneurysms and dissections. Identifiers: Orphanet 91387, MedGen C4707243, MONDO:0019625.

Submissions (2):

Clinical Genetics Laboratory, Skane University Hospital Lund
Classification: Uncertain significance. Last evaluated: 2022-05-27. Review status: criteria provided, single submitter. Criteria: ACMG Guidelines, 2015. Collection method: clinical testing. Allele origin: germline. Affected: yes.

Ambry Genetics
Classification: Uncertain significance for Familial thoracic aortic aneurysm and aortic dissection. Last evaluated: 2018-07-06. Review status: criteria provided, single submitter. Criteria: Ambry Variant Classification Scheme 2023. Collection method: clinical testing. Allele origin: germline.
Comment: The p.P393L variant (also known as c.1178C>T), located in coding exon 9 of the SMAD3 gene, results from a C to T substitution at nucleotide position 1178. The proline at codon 393 is replaced by leucine, an amino acid with similar properties. This amino acid position is highly conserved in available vertebrate species. In addition, this alteration is predicted to be deleterious by in silico analysis. Since supporting evidence is limited at this time, the clinical significance of this alteration remains unclear.